The following is an entry in ClinVar:

ClinVar aggregate classification (germline): Uncertain significance (1 of 4 stars; one submission).

Conditions:
ANKRD1-related dilated cardiomyopathy. Identifiers: MedGen CN119551.

Submission:

Labcorp Genetics (formerly Invitae), Labcorp
Classification: Uncertain significance for ANKRD1-related dilated cardiomyopathy. Last evaluated: 2021-06-08. Review status: criteria provided, single submitter. Criteria: Invitae Variant Classification Sherloc (09022015). Collection method: clinical testing. Allele origin: germline.
Comment: This variant is not present in population databases (ExAC no frequency). This sequence change replaces alanine with threonine at codon 284 of the ANKRD1 protein (p.Ala284Thr). The alanine residue is moderately conserved and there is a small physicochemical difference between alanine and threonine. This variant has not been reported in the literature in individuals with ANKRD1-related conditions. Algorithms developed to predict the effect of missense changes on protein structure and function (SIFT, PolyPhen-2, Align-GVGD) all suggest that this variant is likely to be tolerated, but these predictions have not been confirmed by published functional studies and their clinical significance is uncertain. Algorithms developed to predict the effect of sequence changes on RNA splicing suggest that this variant may disrupt the consensus splice site, but this prediction has not been confirmed by published transcriptional studies. In summary, the available evidence is currently insufficient to determine the role of this variant in disease. Therefore, it has been classified as a Variant of Uncertain Significance.

NM_014391.3(ANKRD1):c.850G>A (p.Ala284Thr)

Gene: ANKRD1 (ankyrin repeat domain 1; minus strand). Cytogenetic location: 10q23.31.
Variant type: single nucleotide variant.
Coding change: c.850G>A on transcript NM_014391.3 (MANE Select); coding-DNA position 850, G replaced by A.
Protein change: p.Ala284Thr; replaces alanine 284 with threonine.
Molecular consequence: missense variant.
Genome position (GRCh38, 1-based): chr10:90,912,976, C>T on the plus strand (G>A on the coding strand, the complement: ANKRD1 is on the minus strand). VCF-style: chr10-90912976-C-T. GRCh37 (hg19) VCF-style: chr10-92672733-C-T.
Other names: short protein forms A284T.
Identifiers: ClinVar variation 1446795 (VCV001446795.8), dbSNP rs2120260391, ClinGen allele CA377548082.